The following is an entry in ClinVar:

NM_006254.4(PRKCD):c.546C>A (p.Leu182=)

Gene: PRKCD (protein kinase C delta; plus strand). Cytogenetic location: 3p21.1.
Variant type: single nucleotide variant.
Coding change: c.546C>A on transcript NM_006254.4 (MANE Select); coding-DNA position 546, C replaced by A.
Protein change: p.Leu182=; no amino-acid change (leucine 182 retained).
Molecular consequence: synonymous variant.
Genome position (GRCh38, 1-based): chr3:53,181,707, C>A. VCF-style: chr3-53181707-C-A. GRCh37 (hg19) VCF-style: chr3-53215723-C-A.
Other names: c.546C>A, p.Leu182= (NM_001316327.2, NM_001354679.2, NM_001354680.2 and 1 more transcripts); c.603C>A, p.Leu201= (NM_001354676.2); c.594C>A, p.Leu198= (NM_001354678.2).
Identifiers: ClinVar variation 3675931 (VCV003675931.2).

ClinVar aggregate classification (germline): Uncertain significance (1 of 4 stars; one submission).

Conditions:
Autoimmune lymphoproliferative syndrome, type III caused by mutation in PRKCD. Identifiers: Orphanet 3261, Orphanet 664711, MedGen C3809928, MONDO:8000024, OMIM 615559.

gnomAD v4.1: 2 of 1,613,044 alleles (0.00012%); highest among the groups gnomAD compares: African/African-American, 0.0027%; no homozygotes.

Submission:

Labcorp Genetics (formerly Invitae), Labcorp
Classification: Uncertain significance for Autoimmune lymphoproliferative syndrome, type III caused by mutation in PRKCD. Last evaluated: 2024-07-24. Review status: criteria provided, single submitter. Criteria: Invitae Variant Classification Sherloc (09022015). Collection method: clinical testing. Allele origin: germline.
Comment: This sequence change affects codon 182 of the PRKCD mRNA. It is a 'silent' change, meaning that it does not change the encoded amino acid sequence of the PRKCD protein. This variant is not present in population databases (gnomAD no frequency). This variant has not been reported in the literature in individuals affected with PRKCD-related conditions. Algorithms developed to predict the effect of sequence changes on RNA splicing suggest that this variant may disrupt the consensus splice site. In summary, the available evidence is currently insufficient to determine the role of this variant in disease. Therefore, it has been classified as a Variant of Uncertain Significance.